The following is an entry in ClinVar:

ClinVar aggregate classification (germline): Uncertain significance (1 of 4 stars; one submission).

Conditions:
Cardiovascular phenotype. Identifiers: MedGen CN230736.

Submission:

Ambry Genetics
Classification: Uncertain significance for Cardiovascular phenotype. Last evaluated: 2025-09-26. Review status: criteria provided, single submitter. Criteria: Ambry Variant Classification Scheme 2023. Collection method: clinical testing. Allele origin: germline.
Comment: The p.A310T variant (also known as c.928G>A), located in coding exon 6 of the CBL gene, results from a G to A substitution at nucleotide position 928. The alanine at codon 310 is replaced by threonine, an amino acid with similar properties. This amino acid position is conserved. In addition, the in silico prediction for this alteration is inconclusive. Based on the available evidence, the clinical significance of this variant remains unclear.

NM_005188.4(CBL):c.928G>A (p.Ala310Thr)

Gene: CBL (Cbl proto-oncogene; plus strand). Cytogenetic location: 11q23.3.
Variant type: single nucleotide variant.
Coding change: c.928G>A on transcript NM_005188.4 (MANE Select); coding-DNA position 928, G replaced by A.
Protein change: p.Ala310Thr; replaces alanine 310 with threonine.
Molecular consequence: missense variant.
Genome position (GRCh38, 1-based): chr11:119,276,055, G>A. VCF-style: chr11-119276055-G-A. GRCh37 (hg19) VCF-style: chr11-119146765-G-A.
Other names: short protein forms A310T.
Identifiers: ClinVar variation 4613821 (VCV004613821.1).